The following is an entry in ClinVar:

ClinVar aggregate classification (germline): Likely benign (0 of 4 stars; one submission).

Conditions:
ELN-related disorder.

gnomAD v4.1: 23 of 1,613,498 alleles (0.0014%); highest among the groups gnomAD compares: African/African-American, 0.028%; no homozygotes.

Submission:

PreventionGenetics, part of Exact Sciences
Classification: Likely benign for ELN-related condition. Last evaluated: 2024-06-03. Review status: no assertion criteria provided. Collection method: clinical testing. Allele origin: germline.
Comment: This variant is classified as likely benign based on ACMG/AMP sequence variant interpretation guidelines (Richards et al. 2015 PMID: 25741868, with internal and published modifications).

NM_000501.4(ELN):c.1263T>C (p.Pro421=)

Gene: ELN (elastin; plus strand). Cytogenetic location: 7q11.23.
Variant type: single nucleotide variant.
Coding change: c.1263T>C on transcript NM_000501.4 (MANE Select); coding-DNA position 1263, T replaced by C.
Protein change: p.Pro421=; no amino-acid change (proline 421 retained).
Molecular consequence: synonymous variant. On other transcripts: intron variant (2).
Genome position (GRCh38, 1-based): chr7:74,056,383, T>C. VCF-style: chr7-74056383-T-C. GRCh37 (hg19) VCF-style: chr7-73470713-T-C.
Other names: c.1233T>C, p.Pro411= (NM_001081752.3, NM_001278917.2); c.1278T>C, p.Pro426= (NM_001081753.3, NM_001081754.3); c.1263T>C, p.Pro421= (NM_001081755.3, NM_001278912.2, NM_001278915.2 and 1 more transcripts); c.1248T>C, p.Pro416= (NM_001278914.2); c.1221T>C, p.Pro407= (NM_001278916.2); c.1129+26T>C (NM_001278913.2); c.1105+26T>C (NM_001278918.2).
Identifiers: ClinVar variation 3352930 (VCV003352930.1).